The following is an entry in ClinVar:

ClinVar aggregate classification (germline): Uncertain significance. Review status: criteria provided, multiple submitters, no conflicts (2 of 4 stars). 3 submissions from 3 submitters: Uncertain significance (3). Last evaluated 2024-08-04.

Conditions:
Inborn genetic diseases. Identifiers: MedGen C0950123, MeSH D030342.

Allele frequency attached by ClinVar (database versions not stated): ExAC 0.00003; gnomAD exomes 0.00003.
gnomAD v4.1: 9 of 1,614,094 alleles (0.00056%); highest among the groups gnomAD compares: Admixed American, 0.015%; no homozygotes.

Submissions (3):

Ambry Genetics
Classification: Uncertain significance for Inborn genetic diseases. Last evaluated: 2024-08-04. Review status: criteria provided, single submitter. Criteria: Ambry Variant Classification Scheme 2023. Collection method: clinical testing. Allele origin: germline.

GeneDx
Classification: Uncertain significance. Last evaluated: 2023-12-28. Review status: criteria provided, single submitter. Criteria: GeneDx Variant Classification Process June 2021. Collection method: clinical testing. Allele origin: germline. Affected: yes.
Comment: In silico analysis supports that this missense variant does not alter protein structure/function; Has not been previously published as pathogenic or benign to our knowledge

Labcorp Genetics (formerly Invitae), Labcorp
Classification: Uncertain significance. Last evaluated: 2023-11-06. Review status: criteria provided, single submitter. Criteria: Invitae Variant Classification Sherloc (09022015). Collection method: clinical testing. Allele origin: germline.
Comment: This sequence change replaces asparagine, which is neutral and polar, with serine, which is neutral and polar, at codon 1392 of the RP1 protein (p.Asn1392Ser). This variant is present in population databases (rs780518944, gnomAD 0.02%). This variant has not been reported in the literature in individuals affected with RP1-related conditions. ClinVar contains an entry for this variant (Variation ID: 1478280). An algorithm developed to predict the effect of missense changes on protein structure and function (PolyPhen-2) suggests that this variant is likely to be tolerated. In summary, the available evidence is currently insufficient to determine the role of this variant in disease. Therefore, it has been classified as a Variant of Uncertain Significance.

NM_006269.2(RP1):c.4175A>G (p.Asn1392Ser)

Gene: RP1 (RP1 axonemal microtubule associated; plus strand). Cytogenetic location: 8q12.1.
Variant type: single nucleotide variant.
Coding change: c.4175A>G on transcript NM_006269.2 (MANE Select); coding-DNA position 4175, A replaced by G.
Protein change: p.Asn1392Ser; replaces asparagine 1392 with serine.
Molecular consequence: missense variant. On other transcripts: intron variant (1).
Genome position (GRCh38, 1-based): chr8:54,628,057, A>G. VCF-style: chr8-54628057-A-G. GRCh37 (hg19) VCF-style: chr8-55540617-A-G.
Other names: c.787+5769A>G (NM_001375654.1); c.4175A>G (NM_006269.1); short protein forms N1392S.
Identifiers: ClinVar variation 1478280 (VCV001478280.8), dbSNP rs780518944, ClinGen allele CA4751812.